The following is an entry in ClinVar:

NM_012295.4(CABIN1):c.6600A>C (p.Thr2200=)

Gene: CABIN1 (calcineurin binding protein 1; plus strand). Cytogenetic location: 22q11.23.
Variant type: single nucleotide variant.
Coding change: c.6600A>C on transcript NM_012295.4 (MANE Select); coding-DNA position 6600, A replaced by C.
Protein change: p.Thr2200=; no amino-acid change (threonine 2200 retained).
Molecular consequence: synonymous variant.
Genome position (GRCh38, 1-based): chr22:24,178,133, A>C. VCF-style: chr22-24178133-A-C. GRCh37 (hg19) VCF-style: chr22-24574101-A-C.
Other names: c.6600A>C, p.Thr2200= (NM_001199281.1); c.6450A>C, p.Thr2150= (NM_001201429.2).
Identifiers: ClinVar variation 3234628 (VCV003234628.20), dbSNP rs2523599588, ClinGen allele CA514157066.

ClinVar aggregate classification (germline): Likely benign (1 of 4 stars; one submission).

Submission:

CeGaT Center for Human Genetics Tuebingen
Classification: Likely benign. Last evaluated: 2024-03-01. Review status: criteria provided, single submitter. Criteria: CeGaT Center For Human Genetics Tuebingen Variant Classification Criteria Version 2. Collection method: clinical testing. Allele origin: germline. Affected: yes. Observed: 1 variant allele.
Comment: CABIN1: PM2:Supporting, BP4, BP7